The following is an entry in ClinVar:

NM_002755.4(MAP2K1):c.114G>C (p.Glu38Asp)

Gene: MAP2K1 (mitogen-activated protein kinase kinase 1; plus strand). Cytogenetic location: 15q22.31.
Variant type: single nucleotide variant.
Coding change: c.114G>C on transcript NM_002755.4 (MANE Select); coding-DNA position 114, G replaced by C.
Protein change: p.Glu38Asp; replaces glutamic acid 38 with aspartic acid.
Molecular consequence: missense variant.
Genome position (GRCh38, 1-based): chr15:66,435,060, G>C. VCF-style: chr15-66435060-G-C. GRCh37 (hg19) VCF-style: chr15-66727398-G-C.
Other names: c.48G>C, p.Glu16Asp (NM_001411065.1); short protein forms E16D, E38D.
Identifiers: ClinVar variation 3658606 (VCV003658606.2).
Genomic context (GRCh38, chr15:66,435,060, plus strand): 5'-TGACTTGTGCTCCCCACTTTGGAACAGGACCAACTTGGAGGCCTTGCAGAAGAAGCTGGA[G>C]GAGCTAGAGCTTGATGAGCAGCAGCGAAAGCGCCTTGAGGCCTTTCTTACCCAGAAGCAG-3'
Protein context (NP_002746.1, residues 28-48): TNLEALQKKL[Glu38Asp]ELELDEQQRK

ClinVar aggregate classification (germline): Uncertain significance (1 of 4 stars; one submission).

Conditions:
RASopathy. Also called: rasopathies; Noonan spectrum disorder. Identifiers: Orphanet 536391, MedGen C5555857, MONDO:0021060.

Submission:

Labcorp Genetics (formerly Invitae), Labcorp
Classification: Uncertain significance for RASopathy. Last evaluated: 2024-07-03. Review status: criteria provided, single submitter. Criteria: Invitae Variant Classification Sherloc (09022015). Collection method: clinical testing. Allele origin: germline.
Comment: This sequence change replaces glutamic acid, which is acidic and polar, with aspartic acid, which is acidic and polar, at codon 38 of the MAP2K1 protein (p.Glu38Asp). This variant is not present in population databases (gnomAD no frequency). This variant has not been reported in the literature in individuals affected with MAP2K1-related conditions. An algorithm developed to predict the effect of missense changes on protein structure and function (PolyPhen-2) suggests that this variant is likely to be tolerated. In summary, the available evidence is currently insufficient to determine the role of this variant in disease. Therefore, it has been classified as a Variant of Uncertain Significance.